The following is an entry in ClinVar:

NM_000548.5(TSC2):c.2639A>C (p.Lys880Thr)

Gene: TSC2 (TSC complex subunit 2; plus strand). Cytogenetic location: 16p13.3.
Variant type: single nucleotide variant.
Coding change: c.2639A>C on transcript NM_000548.5 (MANE Select); coding-DNA position 2639, A replaced by C.
Protein change: p.Lys880Thr; replaces lysine 880 with threonine.
Molecular consequence: missense variant. On other transcripts: non-coding transcript variant (5).
Genome position (GRCh38, 1-based): chr16:2,075,892, A>C. VCF-style: chr16-2075892-A-C. GRCh37 (hg19) VCF-style: chr16-2125893-A-C.
Other names: c.2639A>C, p.Lys880Thr (NM_001077183.3, NM_001114382.3, NM_001363528.2 and 6 more transcripts); c.2528A>C, p.Lys843Thr (NM_001318827.2, NM_001406678.1, NM_001406670.1); c.2492A>C, p.Lys831Thr (NM_001318829.2, NM_001406679.1, NM_001406675.1 and 1 more transcripts); c.2039A>C, p.Lys680Thr (NM_001318831.2, NM_001406680.1, NM_001406682.1 and 6 more transcripts); c.2672A>C, p.Lys891Thr (NM_001318832.2); c.2582A>C, p.Lys861Thr (NM_001406677.1); c.2177A>C, p.Lys726Thr (NM_001406681.1); c.1295A>C, p.Lys432Thr (NM_001406696.1, NM_001406697.1, NM_001406689.1 and 6 more transcripts); and 3 more; short protein forms K346T, K843T, K861T, K876T, K910T, K432T, K891T, K680T.
Identifiers: ClinVar variation 2906572 (VCV002906572.3), dbSNP rs2089276233, ClinGen allele CA394278486.

ClinVar aggregate classification (germline): Uncertain significance (1 of 4 stars; one submission).

Conditions:
Tuberous sclerosis 2 (TSC2). Identifiers: Orphanet 805, MedGen C1860707, MONDO:0013199, OMIM 613254.

Submission:

Labcorp Genetics (formerly Invitae), Labcorp
Classification: Uncertain significance for Tuberous sclerosis 2. Last evaluated: 2025-04-02. Review status: criteria provided, single submitter. Criteria: Invitae Variant Classification Sherloc (09022015). Collection method: clinical testing. Allele origin: germline.
Comment: This sequence change replaces lysine, which is basic and polar, with threonine, which is neutral and polar, at codon 880 of the TSC2 protein (p.Lys880Thr). This variant is not present in population databases (gnomAD no frequency). This variant has not been reported in the literature in individuals affected with TSC2-related conditions. ClinVar contains an entry for this variant (Variation ID: 2906572). An algorithm developed to predict the effect of missense changes on protein structure and function (PolyPhen-2) suggests that this variant is likely to be disruptive. In summary, the available evidence is currently insufficient to determine the role of this variant in disease. Therefore, it has been classified as a Variant of Uncertain Significance.